The following is an entry in ClinVar:

ClinVar aggregate classification (germline): Uncertain significance (1 of 4 stars; one submission).

Submission:

Labcorp Genetics (formerly Invitae), Labcorp
Classification: Uncertain significance. Last evaluated: 2023-03-27. Review status: criteria provided, single submitter. Criteria: Invitae Variant Classification Sherloc (09022015). Collection method: clinical testing. Allele origin: germline.
Comment: In summary, the available evidence is currently insufficient to determine the role of this variant in disease. Therefore, it has been classified as a Variant of Uncertain Significance. Experimental studies and prediction algorithms are not available or were not evaluated, and the functional significance of this variant is currently unknown. This variant has not been reported in the literature in individuals affected with EXOSC8-related conditions. This variant is not present in population databases (gnomAD no frequency). This variant, c.541_543del, results in the deletion of 1 amino acid(s) of the EXOSC8 protein (p.Leu181del), but otherwise preserves the integrity of the reading frame.

NM_181503.3(EXOSC8):c.541_543del (p.Leu181del)

Gene: EXOSC8 (exosome component 8; plus strand). Cytogenetic location: 13q13.3.
Variant type: Deletion.
Coding change: c.541_543del on transcript NM_181503.3 (MANE Select); coding-DNA positions 541 to 543, 3 bases deleted (TTA; older notation c.541_543delTTA).
Protein change: p.Leu181del; deletes leucine 181.
Molecular consequence: inframe deletion.
Genome position (GRCh38, 1-based): chr13:37,008,110-37,008,112, TTA deleted. VCF-style (leftmost placement, unchanged base first): chr13-37008109-TTTA-T. GRCh37 (hg19) VCF-style: chr13-37582246-TTTA-T.
Other names: short protein forms L181del.
Identifiers: ClinVar variation 2846422 (VCV002846422.3), dbSNP rs2501619981, ClinGen allele CA2739277579.